The following continues an entry in ClinVar:

NM_000179.3(MSH6):c.3724_3726del (p.Arg1242del)

Gene: MSH6. ClinVar aggregate classification (germline): Likely pathogenic. Likely pathogenic (1).

Submissions 11 to 15 of 15:

All of Us Research Program, National Institutes of Health
Classification: Pathogenic for Lynch syndrome. Last evaluated: 2023-06-08. Review status: criteria provided, single submitter. Criteria: ACMG Guidelines, 2015. Collection method: clinical testing. Allele origin: germline. Inheritance: Autosomal dominant inheritance. Observed: 2 variant alleles, 2 heterozygotes. Not counted in ClinVar's aggregate classification.
Comment: This variant causes a deletion of the conserved arginine at codon 1242 located in the ATPase domain of the MSH6 protein. To our knowledge, functional studies have not been reported for this variant. This variant has been reported in individuals affected with Lynch syndrome (PMID: 20028993; ClinVar SCV000183865.7), colorectal cancer (PMID: 17718861), and endometrial cancer (PMID: 24933100, 27443514). This variant has been shown to segregate with colorectal cancer in three members of a family (PMID: 17718861). Loss of MSH6 protein expression has been observed in tumor tissues from two affected carriers (PMID: 17718861, 24933100). This variant has also been observed in an individual affected with constitutional mismatch repair deficiency who carried a pathogenic MSH6 variant in trans (ClinVar SCV000183865.7). A multifactorial likelihood analysis using genetic data, computational prediction and tumor pathology has indicated that this variant has a high probability of being pathogenic (PMID: 24362816). This variant has been identified in 2/251212 chromosomes in the general population by the Genome Aggregation Database (gnomAD). Missense variants occurring at this codon, p.Arg1242His and p.Arg1242Ser, are thought to be disease-causing (Clinvar variation ID: 140866, 89449), indicating the importance of arginine at this codon for MSH6 protein function. Based on the available evidence, this variant is classified as Pathogenic.

This study involves interpretation of variants in research participants for the purpose of population health screening. Participant phenotype was not available at the time of variant classification. Additional details can be found in publication PMID: 35346344, PMCID: PMC8962531

Color Diagnostics, LLC DBA Color Health
Classification: Pathogenic for Hereditary cancer-predisposing syndrome. Last evaluated: 2023-04-10. Review status: criteria provided, single submitter. Criteria: ACMG Guidelines, 2015. Collection method: clinical testing. Allele origin: germline. Not counted in ClinVar's aggregate classification.
Comment: This variant causes a deletion of the conserved arginine at codon 1242 located in the ATPase domain of the MSH6 protein. To our knowledge, functional studies have not been reported for this variant. This variant has been reported in individuals affected with Lynch syndrome (PMID: 20028993; ClinVar SCV000183865.7), colorectal cancer (PMID: 17718861), and endometrial cancer (PMID: 24933100, 27443514). This variant has been shown to segregate with colorectal cancer in three members of a family (PMID: 17718861). Loss of MSH6 protein expression has been observed in tumor tissues from two affected carriers (PMID: 17718861, 24933100). This variant has also been observed in an individual affected with constitutional mismatch repair deficiency who carried a pathogenic MSH6 variant in trans (ClinVar SCV000183865.7). A multifactorial likelihood analysis using genetic data, computational prediction and tumor pathology has indicated that this variant has a high probability of being pathogenic (PMID: 24362816). This variant has been identified in 2/251212 chromosomes in the general population by the Genome Aggregation Database (gnomAD). Missense variants occurring at this codon, p.Arg1242His and p.Arg1242Ser, are thought to be disease-causing (Clinvar variation ID: 140866, 89449), indicating the importance of arginine at this codon for MSH6 protein function. Based on the available evidence, this variant is classified as Pathogenic.

Women's Health and Genetics/Laboratory Corporation of America, LabCorp
Classification: Likely pathogenic for Hereditary nonpolyposis colon cancer. Last evaluated: 2022-11-22. Review status: criteria provided, single submitter. Criteria: LabCorp Variant Classification Summary - May 2015. Collection method: clinical testing. Allele origin: germline. Not counted in ClinVar's aggregate classification.
Comment: Variant summary: MSH6 c.3724_3726delCGT (p.Arg1242del) results in an in-frame deletion that is predicted to remove one amino acids from the DNA mismatch repair protein MutS, C-terminal domain (IPR000432) of encoded protein. The variant allele was found at a frequency of 8e-06 in 251212 control chromosomes (gnomAD). c.3724_3726delCGT has been reported in the literature in individuals affected with Hereditary Nonpolyposis Colorectal Cancer and endometrial cancer (e.g. Roncari_2007, Batte_2014, Espenschied_2017, Bennett_2021) and was shown to co-segregate with disease in at least one HNPCC family (Roncari_2007). These data indicate that the variant is likely to be associated with disease. To our knowledge, no experimental evidence demonstrating an impact on protein function has been reported. Six ClinVar submitters including one expert panel (InSiGHT) (evaluation after 2014) cite the variant as pathogenic/likely pathogenic. Based on the evidence outlined above, the variant was classified as likely pathogenic.

Laboratorio de Genetica e Diagnostico Molecular, Hospital Israelita Albert Einstein
Classification: Likely pathogenic for Lynch syndrome 5. Last evaluated: 2021-12-15. Review status: criteria provided, single submitter. Criteria: ACMG Guidelines, 2015. Collection method: clinical testing. Allele origin: germline. Affected: yes. Not counted in ClinVar's aggregate classification.
Comment: ACMG classification criteria: PM2 moderate, PM4 moderate, PP1 supporting

Constitutional Genetics Lab, Leon Berard Cancer Center
Classification: Pathogenic for Lynch-like syndrome. Last evaluated: 2019-07-01. Review status: no assertion criteria provided. Collection method: clinical testing. Allele origin: somatic. Affected: yes. Not counted in ClinVar's aggregate classification.

Literature cited by the submitters: PubMed 17718861 (cited by 7 submitters); PubMed 20028993 (cited by 7 submitters); PubMed 22144684 (cited by Labcorp Genetics (formerly Invitae), Labcorp and Quest Diagnostics Nichols Institute San Juan Capistrano); PubMed 24933100 (cited by 6 submitters); PubMed 27443514 (cited by 6 submitters); PubMed 23729658 (cited by Labcorp Genetics (formerly Invitae), Labcorp); PubMed 24763289 (cited by Labcorp Genetics (formerly Invitae), Labcorp); PubMed 24362816 (cited by 4 submitters); PubMed 28514183 (cited by Quest Diagnostics Nichols Institute San Juan Capistrano and Women's Health and Genetics/Laboratory Corporation of America, LabCorp); PubMed 33654310 (cited by Quest Diagnostics Nichols Institute San Juan Capistrano and Women's Health and Genetics/Laboratory Corporation of America, LabCorp); PubMed 33888356 (cited by Quest Diagnostics Nichols Institute San Juan Capistrano and Women's Health and Genetics/Laboratory Corporation of America, LabCorp); PubMed 29922827 (cited by Quest Diagnostics Nichols Institute San Juan Capistrano); PubMed 27363726 (cited by Myriad Genetics, Inc.); PubMed 28765196 (cited by Women's Health and Genetics/Laboratory Corporation of America, LabCorp); PubMed 29025352 (cited by Women's Health and Genetics/Laboratory Corporation of America, LabCorp).